The following is an entry in ClinVar:

ClinVar aggregate classification (germline): Pathogenic (1 of 4 stars; one submission).

Conditions:
Neutral lipid storage myopathy (NLSDM). Also called: NEUTRAL LIPID STORAGE DISEASE WITHOUT ICHTHYOSIS. Identifiers: Orphanet 98908, MedGen C1853136, MONDO:0012545, OMIM 610717.

Submission:

Labcorp Genetics (formerly Invitae), Labcorp
Classification: Pathogenic for Neutral lipid storage myopathy. Last evaluated: 2022-02-24. Review status: criteria provided, single submitter. Criteria: Invitae Variant Classification Sherloc (09022015). Collection method: clinical testing. Allele origin: germline.
Comment: This sequence change creates a premature translational stop signal (p.Met334*) in the PNPLA2 gene. It is expected to result in an absent or disrupted protein product. Loss-of-function variants in PNPLA2 are known to be pathogenic (PMID: 17187067). For these reasons, this variant has been classified as Pathogenic. ClinVar contains an entry for this variant (Variation ID: 1071091). This variant has not been reported in the literature in individuals affected with PNPLA2-related conditions. This variant is not present in population databases (gnomAD no frequency).

Literature cited by the submitters: PubMed 17187067.

NM_020376.4(PNPLA2):c.999del (p.Ala333_Met334insTer)

Gene: PNPLA2 (patatin like domain 2, triacylglycerol lipase; plus strand). Cytogenetic location: 11p15.5.
Variant type: Deletion.
Coding change: c.999del on transcript NM_020376.4 (MANE Select); coding-DNA position 999, one base deleted (C; older notation c.999delC).
Protein change: p.Ala333_Met334insTer.
Molecular consequence: frameshift variant.
Genome position (GRCh38, 1-based): chr11:824,077, C deleted; the last of 2 consecutive C bases (chr11:824,076-824,077); deleting either gives the same sequence. VCF-style (leftmost placement, unchanged base first): chr11-824075-GC-G. GRCh37 (hg19) VCF-style: chr11-824075-GC-G.
Identifiers: ClinVar variation 1071091 (VCV001071091.8), dbSNP rs2133850152, ClinGen allele CA2499221350.